The following is an entry in ClinVar:

ClinVar aggregate classification (germline): Uncertain significance. Review status: criteria provided, multiple submitters, no conflicts (2 of 4 stars). 3 submissions from 3 submitters: Uncertain significance (3). Last evaluated 2025-09-27.

Conditions:
Inborn genetic diseases. Identifiers: MedGen C0950123, MeSH D030342.

Allele frequency attached by ClinVar (database versions not stated): gnomAD 0.00001.
gnomAD v4.1: 78 of 1,613,724 alleles (0.0048%); highest among the groups gnomAD compares: Non-Finnish European, 0.0059%; no homozygotes.

Submissions (3):

Ambry Genetics
Classification: Uncertain significance for Inborn genetic diseases. Last evaluated: 2025-09-27. Review status: criteria provided, single submitter. Criteria: Ambry Variant Classification Scheme 2023. Collection method: clinical testing. Allele origin: germline.

Blueprint Genetics
Classification: Uncertain significance. Last evaluated: 2023-09-13. Review status: criteria provided, single submitter. Criteria: ACMG Guidelines, 2015. Collection method: clinical testing. Allele origin: germline.

Labcorp Genetics (formerly Invitae), Labcorp
Classification: Uncertain significance. Last evaluated: 2021-07-04. Review status: criteria provided, single submitter. Criteria: Invitae Variant Classification Sherloc (09022015). Collection method: clinical testing. Allele origin: germline.
Comment: This sequence change replaces leucine with isoleucine at codon 992 of the RBP3 protein (p.Leu992Ile). The leucine residue is highly conserved and there is a small physicochemical difference between leucine and isoleucine. This variant is present in population databases (rs782670311, ExAC 0.01%). This variant has not been reported in the literature in individuals affected with RBP3-related conditions. Algorithms developed to predict the effect of missense changes on protein structure and function are either unavailable or do not agree on the potential impact of this missense change (SIFT: "Deleterious"; PolyPhen-2: "Benign"; Align-GVGD: "Class C0"). In summary, the available evidence is currently insufficient to determine the role of this variant in disease. Therefore, it has been classified as a Variant of Uncertain Significance.

NM_002900.3(RBP3):c.2974C>A (p.Leu992Ile)

Gene: RBP3 (retinol binding protein 3; plus strand). Cytogenetic location: 10q11.22.
Variant type: single nucleotide variant.
Coding change: c.2974C>A on transcript NM_002900.3 (MANE Select); coding-DNA position 2974, C replaced by A.
Protein change: p.Leu992Ile; replaces leucine 992 with isoleucine.
Molecular consequence: missense variant.
Genome position (GRCh38, 1-based): chr10:47,351,458, C>A. VCF-style: chr10-47351458-C-A. GRCh37 (hg19) VCF-style: chr10-48387904-G-T.
Other names: c.2974C>A (NM_002900.2); short protein forms L992I.
Identifiers: ClinVar variation 1405029 (VCV001405029.10), dbSNP rs782670311, ClinGen allele CA5487164.